The following is an entry in ClinVar:

NM_001148.6(ANK2):c.10823C>G (p.Ser3608Cys)

Gene: ANK2 (ankyrin 2; plus strand). Cytogenetic location: 4q26.
Variant type: single nucleotide variant.
Coding change: c.10823C>G on transcript NM_001148.6 (MANE Select); coding-DNA position 10823, C replaced by G.
Protein change: p.Ser3608Cys; replaces serine 3608 with cysteine.
Molecular consequence: missense variant.
Genome position (GRCh38, 1-based): chr4:113,363,404, C>G. VCF-style: chr4-113363404-C-G. GRCh37 (hg19) VCF-style: chr4-114284560-C-G.
Other names: c.4349C>G, p.Ser1450Cys (NM_001386150.1, NM_001386153.1, NM_001386146.1 and 1 more transcripts); c.4283C>G, p.Ser1428Cys (NM_001386151.1, NM_001354260.2, NM_001354271.2); c.4625C>G, p.Ser1542Cys (NM_001386152.1); c.4334C>G, p.Ser1445Cys (NM_001386154.1, NM_001354274.2); c.4307C>G, p.Ser1436Cys (NM_001386156.1, NM_001354257.2); c.4184C>G, p.Ser1395Cys (NM_001386157.1, NM_001354277.2); c.4085C>G, p.Ser1362Cys (NM_001386158.1); c.4412C>G, p.Ser1471Cys (NM_001386160.1); and 35 more; short protein forms S1395C, S1423C, S1461C, S1471C, S1478C, S1502C, S1518C, S1527C.
Identifiers: ClinVar variation 2857354 (VCV002857354.3), dbSNP rs2506632105, ClinGen allele CA357941314.

ClinVar aggregate classification (germline): Uncertain significance (1 of 4 stars; one submission).

Conditions:
Long QT syndrome (LQTS). Identifiers: MedGen C0023976, MeSH D008133, MONDO:0002442. Disease mechanism: loss of function. Inheritance: Various modes of inheritance.

Submission:

Labcorp Genetics (formerly Invitae), Labcorp
Classification: Uncertain significance for Long QT syndrome. Last evaluated: 2023-04-18. Review status: criteria provided, single submitter. Criteria: Invitae Variant Classification Sherloc (09022015). Collection method: clinical testing. Allele origin: germline.
Comment: This variant has not been reported in the literature in individuals affected with ANK2-related conditions. Advanced modeling of protein sequence and biophysical properties (such as structural, functional, and spatial information, amino acid conservation, physicochemical variation, residue mobility, and thermodynamic stability) performed at Invitae indicates that this missense variant is not expected to disrupt ANK2 protein function. This sequence change replaces serine, which is neutral and polar, with cysteine, which is neutral and slightly polar, at codon 3608 of the ANK2 protein (p.Ser3608Cys). This variant is not present in population databases (gnomAD no frequency). In summary, the available evidence is currently insufficient to determine the role of this variant in disease. Therefore, it has been classified as a Variant of Uncertain Significance.